The following is an entry in ClinVar:

ClinVar aggregate classification (germline): Benign/Likely benign. Review status: criteria provided, multiple submitters, no conflicts (2 of 4 stars). 4 submissions from 4 submitters: Benign (1); Likely benign (1). 2 of the submissions do not count toward it. Last evaluated 2025-02-07.

Conditions:
ARID1A-related disorder. Also called: ARID1A-related condition.

Allele frequency attached by ClinVar (database versions not stated): ExAC 0.00001; gnomAD exomes 0.00003 and 0.00014; TOPMed 0.00004; gnomAD 0.00005 and 0.00006.
gnomAD v4.1: 208 of 1,614,026 alleles (0.013%); highest among the groups gnomAD compares: Non-Finnish European, 0.016%; no homozygotes.

Submissions (4):

Labcorp Genetics (formerly Invitae), Labcorp
Classification: Benign. Last evaluated: 2025-02-07. Review status: criteria provided, single submitter. Criteria: Invitae Variant Classification Sherloc (09022015). Collection method: clinical testing. Allele origin: germline.

GeneDx
Classification: Likely benign. Last evaluated: 2019-08-21. Review status: criteria provided, single submitter. Criteria: GeneDx Variant Classification Process June 2021. Collection method: clinical testing. Allele origin: germline. Affected: yes.

PreventionGenetics, part of Exact Sciences
Classification: Uncertain significance for ARID1A-related condition. Last evaluated: 2024-07-27. Review status: no assertion criteria provided. Collection method: clinical testing. Allele origin: germline. Not counted in ClinVar's aggregate classification.
Comment: The ARID1A c.3967C>T variant is predicted to result in the amino acid substitution p.Arg1323Cys. To our knowledge, this variant has not been reported in the literature. This variant is reported in 0.0046% of alleles in individuals of European (Non-Finnish) descent in gnomAD. Although we suspect that this variant may be benign, at this time, the clinical significance of this variant is uncertain due to the absence of conclusive functional and genetic evidence.

ITMI
No classification provided. Condition: AllHighlyPenetrant. Last evaluated: 2013-09-19. Review status: no classification provided. Collection method: reference population. Allele origin: germline. Not counted in ClinVar's aggregate classification.
Comment: Please see associated publication for description of ethnicities

Literature cited by the submitters: PubMed 24728327 (cited by ITMI).

NM_006015.6(ARID1A):c.3967C>T (p.Arg1323Cys)

Gene: ARID1A (AT-rich interaction domain 1A; plus strand). Cytogenetic location: 1p36.11.
Variant type: single nucleotide variant.
Coding change: c.3967C>T on transcript NM_006015.6 (MANE Select); coding-DNA position 3967, C replaced by T.
Protein change: p.Arg1323Cys; replaces arginine 1323 with cysteine.
Molecular consequence: missense variant.
Genome position (GRCh38, 1-based): chr1:26,773,680, C>T. VCF-style: chr1-26773680-C-T. GRCh37 (hg19) VCF-style: chr1-27100171-C-T.
Other names: c.3967C>T, p.Arg1323Cys (NM_139135.4); short protein forms R1323C.
Identifiers: ClinVar variation 133548 (VCV000133548.10), dbSNP rs587778051, ClinGen allele CA156915.